The following is an entry in ClinVar:

ClinVar aggregate classification (germline): Conflicting classifications of pathogenicity. Review status: criteria provided, conflicting classifications (1 of 4 stars). 10 submissions from 10 submitters: Pathogenic (1); Likely pathogenic (5); Uncertain significance (4). Last evaluated 2026-06-01.

Conditions:
Mitochondrial trifunctional protein deficiency 1 (MTPD1). Identifiers: MedGen CN376812, MONDO:0958181, OMIM 609015.
Mitochondrial trifunctional protein deficiency. Identifiers: Orphanet 746, MedGen C1969443, MONDO:0012172.
Mitochondrial trifunctional protein deficiency 2 (MTPD2). Identifiers: MedGen C5830374, MONDO:0958185, OMIM 620300.

Allele frequency attached by ClinVar (database versions not stated): gnomAD 0.00006; ESP Exome Variant Server 0.00008; TOPMed 0.00008.
gnomAD v4.1: 303 of 1,607,024 alleles (0.019%); highest among the groups gnomAD compares: Non-Finnish European, 0.023%; 1 homozygote.

Submissions (10):

CeGaT Center for Human Genetics Tuebingen
Classification: Likely pathogenic. Last evaluated: 2026-06-01. Review status: criteria provided, single submitter. Criteria: CeGaT Center For Human Genetics Tuebingen Variant Classification Criteria Version 2. Collection method: clinical testing. Allele origin: germline. Affected: yes. Observed: 3 variant alleles.
Comment: HADHB: PM3:Strong, PM2, PP3

GeneDx
Classification: Likely pathogenic. Last evaluated: 2026-01-26. Review status: criteria provided, single submitter. Criteria: GeneDx Variant Classification Process June 2021. Collection method: clinical testing. Allele origin: germline. Affected: yes.
Comment: In silico analysis supports that this missense variant has a deleterious effect on protein structure/function; This variant is associated with the following publications: (PMID: Saleh2022[paper], 35383965, 35403730)

Labcorp Genetics (formerly Invitae), Labcorp
Classification: Pathogenic for Mitochondrial trifunctional protein deficiency. Last evaluated: 2025-06-18. Review status: criteria provided, single submitter. Criteria: Invitae Variant Classification Sherloc (09022015). Collection method: clinical testing. Allele origin: germline.
Comment: This sequence change replaces threonine, which is neutral and polar, with alanine, which is neutral and non-polar, at codon 133 of the HADHB protein (p.Thr133Ala). This variant is present in population databases (rs371159065, gnomAD 0.02%). This missense change has been observed in individual(s) with and/or HADHB-related conditions (PMID: 35383965, 35403730). ClinVar contains an entry for this variant (Variation ID: 235337). Invitae Evidence Modeling of protein sequence and biophysical properties (such as structural, functional, and spatial information, amino acid conservation, physicochemical variation, residue mobility, and thermodynamic stability) has been performed for this missense variant. However, the output from this modeling did not meet the statistical confidence thresholds required to predict the impact of this variant on HADHB protein function. For these reasons, this variant has been classified as Pathogenic.

Greenwood Genetic Center Diagnostic Laboratories, Greenwood Genetic Center
Classification: Likely pathogenic for Mitochondrial trifunctional protein deficiency 2. Last evaluated: 2024-09-23. Review status: criteria provided, single submitter. Criteria: ACMG Guidelines, 2015. Collection method: clinical testing. Allele origin: germline. Affected: yes.
Comment: PS3_Moderate, PM1, PM3, PM5_Supporting, PP3

Blueprint Genetics
Classification: Uncertain significance. Last evaluated: 2024-08-06. Review status: criteria provided, single submitter. Criteria: ACMG Guidelines, 2015. Collection method: clinical testing. Allele origin: germline.

Fulgent Genetics
Classification: Likely pathogenic for Mitochondrial trifunctional protein deficiency 2. Last evaluated: 2024-03-29. Review status: criteria provided, single submitter. Criteria: ACMG Guidelines, 2015. Collection method: clinical testing. Allele origin: germline.

Baylor Genetics
Classification: Likely pathogenic for Mitochondrial trifunctional protein deficiency 1. Last evaluated: 2024-02-27. Review status: criteria provided, single submitter. Criteria: ACMG Guidelines, 2015. Collection method: clinical testing. Allele origin: unknown.

3billion
Classification: Uncertain significance for Mitochondrial trifunctional protein deficiency 2. Last evaluated: 2023-12-02. Review status: criteria provided, single submitter. Criteria: ACMG Guidelines, 2015. Collection method: clinical testing. Allele origin: germline. Affected: yes.
Comment: The variant is observed at an extremely low frequency in the gnomAD v2.1.1 dataset (total allele frequency: 0.011%). Predicted Consequence/Location: Missense variant In silico tool predictions suggest damaging effect of the variant on gene or gene product [REVEL: 0.92 (>=0.6, sensitivity 0.68 and specificity 0.92); 3Cnet: 0.62 (>=0.6, sensitivity 0.72 and precision 0.9)]. Same nucleotide change resulting in same amino acid change has been previously reported to be associated with HADHB-related disorder (PMID: 35403730). A different missense change at the same codon (p.Thr133Pro) has been reported to be associated with HADHB-related disorder (PMID: 12754706). However the evidence of pathogenicity is insufficient at this time. Therefore, this variant is classified as VUS according to the recommendation of ACMG/AMP guideline.

Illumina Laboratory Services, Illumina
Classification: Uncertain significance for Mitochondrial trifunctional protein deficiency 1. Last evaluated: 2017-04-27. Review status: criteria provided, single submitter. Criteria: ICSL Variant Classification Criteria 13 December 2019. Collection method: clinical testing. Allele origin: germline.
Comment: This variant was observed as part of a predisposition screen in an ostensibly healthy population. A literature search was performed for the gene, cDNA change, and amino acid change (where applicable). Publications were found based on this search. However, the evidence from the literature, in combination with allele frequency data from public databases where available, was not sufficient to rule this variant in or out of causing disease. Therefore, this variant is classified as a variant of unknown significance.

Center for Pediatric Genomic Medicine, Children's Mercy Hospital and Clinics
Classification: Uncertain significance. Last evaluated: 2015-05-12. Review status: criteria provided, single submitter. Criteria: ACMG Guidelines, 2015. Collection method: clinical testing. Allele origin: germline.
ClinVar note: Converted during submission from Uncertain Significance to Uncertain significance.

Literature cited by the submitters: PubMed 35383965 (cited by Labcorp Genetics (formerly Invitae), Labcorp); PubMed 35403730 (cited by Labcorp Genetics (formerly Invitae), Labcorp and 3billion); PubMed 12754706 (cited by 3billion and Illumina Laboratory Services, Illumina).

NM_000183.3(HADHB):c.397A>G (p.Thr133Ala)

Gene: HADHB (hydroxyacyl-CoA dehydrogenase trifunctional multienzyme complex subunit beta; plus strand). Cytogenetic location: 2p23.3.
Variant type: single nucleotide variant.
Coding change: c.397A>G on transcript NM_000183.3 (MANE Select); coding-DNA position 397, A replaced by G.
Protein change: p.Thr133Ala; replaces threonine 133 with alanine.
Molecular consequence: missense variant.
Genome position (GRCh38, 1-based): chr2:26,277,115, A>G. VCF-style: chr2-26277115-A-G. GRCh37 (hg19) VCF-style: chr2-26499983-A-G.
Other names: c.352A>G, p.Thr118Ala (NM_001281512.2); c.331A>G, p.Thr111Ala (NM_001281513.2); short protein forms T133A, T118A, T111A.
Identifiers: ClinVar variation 235337 (VCV000235337.62), dbSNP rs371159065, ClinGen allele CA1560206.